The following is an entry in ClinVar:

ClinVar aggregate classification (germline): Uncertain significance (1 of 4 stars; one submission).

Allele frequency attached by ClinVar (database versions not stated): TOPMed below 0.00001; gnomAD 0.00001.
gnomAD v4.1: 1 of 1,613,798 alleles (0.000062%); highest among the groups gnomAD compares: African/African-American, 0.0013%; no homozygotes.

Submission:

Ambry Genetics
Classification: Uncertain significance. Last evaluated: 2024-05-09. Review status: criteria provided, single submitter. Criteria: Ambry Variant Classification Scheme 2023. Collection method: clinical testing. Allele origin: germline.
Comment: The p.F372L variant (also known as c.1114T>C), located in coding exon 9 of the RINT1 gene, results from a T to C substitution at nucleotide position 1114. The phenylalanine at codon 372 is replaced by leucine, an amino acid with highly similar properties. This amino acid position is conserved. In addition, this alteration is predicted to be tolerated by in silico analysis. Since supporting evidence is limited at this time, the clinical significance of this alteration remains unclear.

NM_021930.6(RINT1):c.1114T>C (p.Phe372Leu)

Gene: RINT1 (RAD50 interactor 1; plus strand). Cytogenetic location: 7q22.3.
Variant type: single nucleotide variant.
Coding change: c.1114T>C on transcript NM_021930.6 (MANE Select); coding-DNA position 1114, T replaced by C.
Protein change: p.Phe372Leu; replaces phenylalanine 372 with leucine.
Molecular consequence: missense variant. On other transcripts: non-coding transcript variant (1).
Genome position (GRCh38, 1-based): chr7:105,550,267, T>C. VCF-style: chr7-105550267-T-C. GRCh37 (hg19) VCF-style: chr7-105190714-T-C.
Other names: c.880T>C, p.Phe294Leu (NM_001346599.2); c.91T>C, p.Phe31Leu (NM_001346600.2, NM_001346603.2); c.190T>C, p.Phe64Leu (NM_001346601.2); short protein forms F31L, F64L, F294L, F372L.
Identifiers: ClinVar variation 1796008 (VCV001796008.3), dbSNP rs1790868458, ClinGen allele CA368808727.